The following is an entry in ClinVar:

NM_001130438.3(SPTAN1):c.126T>C (p.Asp42=)

Gene: SPTAN1 (spectrin alpha, non-erythrocytic 1; plus strand). Cytogenetic location: 9q34.11.
Variant type: single nucleotide variant.
Coding change: c.126T>C on transcript NM_001130438.3 (MANE Select); coding-DNA position 126, T replaced by C.
Protein change: p.Asp42=; no amino-acid change (aspartic acid 42 retained).
Molecular consequence: synonymous variant.
Genome position (GRCh38, 1-based): chr9:128,566,866, T>C. VCF-style: chr9-128566866-T-C. GRCh37 (hg19) VCF-style: chr9-131329145-T-C.
Other names: c.126T>C, p.Asp42= (NM_001195532.2, NM_001363759.2, NM_001363765.2 and 1 more transcripts).
Identifiers: ClinVar variation 391311 (VCV000391311.6), dbSNP rs547012864, ClinGen allele CA5264108.

ClinVar aggregate classification (germline): Likely benign. Review status: criteria provided, multiple submitters, no conflicts (2 of 4 stars). 3 submissions from 3 submitters: Likely benign (2). 1 of the submissions does not count toward it. Last evaluated 2026-03-01.

Conditions:
SPTAN1-related disorder. Also called: SPTAN1-related condition; SPTAN1-related disorders.

Allele frequency attached by ClinVar (database versions not stated): gnomAD exomes 0.00001 and 0.00004; gnomAD 0.00002 and 0.00003; TOPMed 0.00002; ExAC 0.00003; 1000 Genomes Project 30x 0.00016; 1000 Genomes Project 0.00020.
gnomAD v4.1: 10 of 1,614,186 alleles (0.00062%); highest among the groups gnomAD compares: East Asian, 0.022%; no homozygotes.

Submissions (3):

CeGaT Center for Human Genetics Tuebingen
Classification: Likely benign. Last evaluated: 2026-03-01. Review status: criteria provided, single submitter. Criteria: CeGaT Center For Human Genetics Tuebingen Variant Classification Criteria Version 2. Collection method: clinical testing. Allele origin: germline. Affected: yes. Observed: 1 variant allele.
Comment: SPTAN1: BP4, BP7

GeneDx
Classification: Likely benign. Last evaluated: 2016-11-28. Review status: criteria provided, single submitter. Criteria: GeneDx Variant Classification (06012015). Collection method: clinical testing. Allele origin: germline. Affected: yes.
Comment: This variant is considered likely benign or benign based on one or more of the following criteria: it is a conservative change, it occurs at a poorly conserved position in the protein, it is predicted to be benign by multiple in silico algorithms, and/or has population frequency not consistent with disease.

PreventionGenetics, part of Exact Sciences
Classification: Likely benign for SPTAN1-related condition. Last evaluated: 2024-03-24. Review status: no assertion criteria provided. Collection method: clinical testing. Allele origin: germline. Not counted in ClinVar's aggregate classification.
Comment: This variant is classified as likely benign based on ACMG/AMP sequence variant interpretation guidelines (Richards et al. 2015 PMID: 25741868, with internal and published modifications).